The following is an entry in ClinVar:

NM_000018.4(ACADVL):c.1719C>G (p.Ile573Met)

Gene: ACADVL (acyl-CoA dehydrogenase very long chain; plus strand). Cytogenetic location: 17p13.1.
Variant type: single nucleotide variant.
Coding change: c.1719C>G on transcript NM_000018.4 (MANE Select); coding-DNA position 1719, C replaced by G.
Protein change: p.Ile573Met; replaces isoleucine 573 with methionine.
Molecular consequence: missense variant.
Genome position (GRCh38, 1-based): chr17:7,224,682, C>G. VCF-style: chr17-7224682-C-G. GRCh37 (hg19) VCF-style: chr17-7128001-C-G.
Other names: c.1653C>G, p.Ile551Met (NM_001033859.3); c.1788C>G, p.Ile596Met (NM_001270447.2); c.1491C>G, p.Ile497Met (NM_001270448.2); short protein forms I596M, I551M, I497M, I573M.
Identifiers: ClinVar variation 2041085 (VCV002041085.1), dbSNP rs372452333, ClinGen allele CA8338234.
Genomic context (GRCh38, chr17:7,224,682, plus strand): 5'-CCACCCCACCTACCGGACAGATGAACAGTTTCTGCTGCAGCGGCTGGCAGACGGGGCCAT[C>G]GACCTCTATGCCATGGTGGTGGTTCTCTCGAGGTGAGGAGGCAGGCAGGGAATGCCTGAG-3'
Protein context (NP_000009.1, residues 563-583): FLLQRLADGA[Ile573Met]DLYAMVVVLS

ClinVar aggregate classification (germline): Uncertain significance (1 of 4 stars; one submission).

Conditions:
Very long chain acyl-CoA dehydrogenase deficiency (ACADVLD). Also called: VLCAD Deficiency; Very Long-Chain Acyl-Coenzyme A Dehydrogenase Deficiency. Identifiers: Orphanet 26793, MedGen C3887523, MONDO:0008723, OMIM 201475.

Submission:

Labcorp Genetics (formerly Invitae), Labcorp
Classification: Uncertain significance for Very long chain acyl-CoA dehydrogenase deficiency. Last evaluated: 2022-03-08. Review status: criteria provided, single submitter. Criteria: Invitae Variant Classification Sherloc (09022015). Collection method: clinical testing. Allele origin: germline.
Comment: This sequence change replaces isoleucine, which is neutral and non-polar, with methionine, which is neutral and non-polar, at codon 573 of the ACADVL protein (p.Ile573Met). This variant is present in population databases (rs372452333, gnomAD 0.002%). This variant has not been reported in the literature in individuals affected with ACADVL-related conditions. Algorithms developed to predict the effect of missense changes on protein structure and function are either unavailable or do not agree on the potential impact of this missense change (SIFT: "Deleterious"; PolyPhen-2: "Possibly Damaging"; Align-GVGD: "Class C0"). In summary, the available evidence is currently insufficient to determine the role of this variant in disease. Therefore, it has been classified as a Variant of Uncertain Significance.